The following is an entry in ClinVar:

NM_015335.5(MED13L):c.5827C>G (p.Pro1943Ala)

Gene: MED13L (mediator complex subunit 13L; minus strand). Cytogenetic location: 12q24.21.
Variant type: single nucleotide variant.
Coding change: c.5827C>G on transcript NM_015335.5 (MANE Select); coding-DNA position 5827, C replaced by G.
Protein change: p.Pro1943Ala; replaces proline 1943 with alanine.
Molecular consequence: missense variant.
Genome position (GRCh38, 1-based): chr12:115,972,141, G>C on the plus strand (C>G on the coding strand, the complement: MED13L is on the minus strand). VCF-style: chr12-115972141-G-C. GRCh37 (hg19) VCF-style: chr12-116409946-G-C.
Other names: short protein forms P1943A.
Identifiers: ClinVar variation 3005990 (VCV003005990.3), dbSNP rs1555241424, ClinGen allele CA386877066.

ClinVar aggregate classification (germline): Uncertain significance (1 of 4 stars; one submission).

Conditions:
Dextro-looped transposition of the great arteries. Also called: Dextrotransposition of the great arteries. Identifiers: Orphanet 860, MedGen C3531771, MONDO:0019443, OMIM 608808, HP:0031348.

Allele frequency attached by ClinVar (database versions not stated): gnomAD exomes below 0.00001.
gnomAD v4.1: 1 of 1,614,044 alleles (0.000062%); highest among the groups gnomAD compares: Non-Finnish European, 0.000085%; no homozygotes.

Submission:

Labcorp Genetics (formerly Invitae), Labcorp
Classification: Uncertain significance for Dextro-looped transposition of the great arteries. Last evaluated: 2023-04-06. Review status: criteria provided, single submitter. Criteria: Invitae Variant Classification Sherloc (09022015). Collection method: clinical testing. Allele origin: germline.
Comment: This sequence change replaces proline, which is neutral and non-polar, with alanine, which is neutral and non-polar, at codon 1943 of the MED13L protein (p.Pro1943Ala). In summary, the available evidence is currently insufficient to determine the role of this variant in disease. Therefore, it has been classified as a Variant of Uncertain Significance. Advanced modeling of protein sequence and biophysical properties (such as structural, functional, and spatial information, amino acid conservation, physicochemical variation, residue mobility, and thermodynamic stability) performed at Invitae indicates that this missense variant is expected to disrupt MED13L protein function. This variant has not been reported in the literature in individuals affected with MED13L-related conditions. This variant is not present in population databases (gnomAD no frequency).